The following is an entry in ClinVar:

ClinVar aggregate classification (germline): Uncertain significance. Review status: criteria provided, multiple submitters, no conflicts (2 of 4 stars). 2 submissions from 2 submitters: Uncertain significance (2). Last evaluated 2025-02-07.

Conditions:
Inborn genetic diseases. Identifiers: MedGen C0950123, MeSH D030342.

Submissions (2):

Ambry Genetics
Classification: Uncertain significance for Inborn genetic diseases. Last evaluated: 2025-02-07. Review status: criteria provided, single submitter. Criteria: Ambry Variant Classification Scheme 2023. Collection method: clinical testing. Allele origin: germline.

GeneDx
Classification: Uncertain significance. Last evaluated: 2025-01-27. Review status: criteria provided, single submitter. Criteria: GeneDx Variant Classification Process June 2021. Collection method: clinical testing. Allele origin: germline. Affected: yes.
Comment: Not observed at significant frequency in large population cohorts (gnomAD); In silico analysis indicates that this missense variant does not alter protein structure/function; Has not been previously published as pathogenic or benign to our knowledge

NM_032229.3(SLITRK6):c.85G>T (p.Gly29Cys)

Gene: SLITRK6 (SLIT and NTRK like family member 6; minus strand). Cytogenetic location: 13q31.1.
Variant type: single nucleotide variant.
Coding change: c.85G>T on transcript NM_032229.3 (MANE Select); coding-DNA position 85, G replaced by T.
Protein change: p.Gly29Cys; replaces glycine 29 with cysteine.
Molecular consequence: missense variant.
Genome position (GRCh38, 1-based): chr13:85,796,424, C>A on the plus strand (G>T on the coding strand, the complement: SLITRK6 is on the minus strand). VCF-style: chr13-85796424-C-A. GRCh37 (hg19) VCF-style: chr13-86370559-C-A.
Other names: short protein forms G29C.
Identifiers: ClinVar variation 3798729 (VCV003798729.2).